The following is an entry in ClinVar:

NM_001184.4(ATR):c.196G>A (p.Val66Met)

Gene: ATR (ATR checkpoint kinase; minus strand). Cytogenetic location: 3q23.
Variant type: single nucleotide variant.
Coding change: c.196G>A on transcript NM_001184.4 (MANE Select); coding-DNA position 196, G replaced by A.
Protein change: p.Val66Met; replaces valine 66 with methionine.
Molecular consequence: missense variant.
Genome position (GRCh38, 1-based): chr3:142,566,217, C>T on the plus strand (G>A on the coding strand, the complement: ATR is on the minus strand). VCF-style: chr3-142566217-C-T. GRCh37 (hg19) VCF-style: chr3-142285059-C-T.
Other names: c.196G>A, p.Val66Met (NM_001354579.2); short protein forms V66M.
Identifiers: ClinVar variation 434458 (VCV000434458.16), dbSNP rs758564083, ClinGen allele CA2650821.

ClinVar aggregate classification (germline): Uncertain significance. Review status: criteria provided, multiple submitters, no conflicts (2 of 4 stars). 4 submissions from 3 submitters: Uncertain significance (4). Last evaluated 2025-06-16.

Conditions:
Familial cutaneous telangiectasia and oropharyngeal predisposition cancer syndrome. Identifiers: Orphanet 313846, MedGen C3281203, MONDO:0013806, OMIM 614564.
Seckel syndrome 1 (SCKL1). Also called: MICROCEPHALIC PRIMORDIAL DWARFISM I. Identifiers: Orphanet 808, MedGen C4551474, MONDO:0008869, OMIM 210600.

Allele frequency attached by ClinVar (database versions not stated): gnomAD 0.00001; TOPMed 0.00001; ExAC 0.00003; gnomAD exomes 0.00003.
gnomAD v4.1: 46 of 1,613,812 alleles (0.0029%); highest among the groups gnomAD compares: South Asian, 0.032%; no homozygotes.

Submissions (4):

Labcorp Genetics (formerly Invitae), Labcorp
Classification: Uncertain significance. Last evaluated: 2025-06-16. Review status: criteria provided, single submitter. Criteria: Invitae Variant Classification Sherloc (09022015). Collection method: clinical testing. Allele origin: germline.
Comment: This sequence change replaces valine, which is neutral and non-polar, with methionine, which is neutral and non-polar, at codon 66 of the ATR protein (p.Val66Met). This variant is present in population databases (rs758564083, gnomAD 0.02%). This variant has not been reported in the literature in individuals affected with ATR-related conditions. ClinVar contains an entry for this variant (Variation ID: 434458). An algorithm developed to predict the effect of missense changes on protein structure and function (PolyPhen-2) suggests that this variant is likely to be disruptive. In summary, the available evidence is currently insufficient to determine the role of this variant in disease. Therefore, it has been classified as a Variant of Uncertain Significance.

Genome-Nilou Lab
Classification: Uncertain significance for Seckel syndrome 1. Last evaluated: 2023-02-08. Review status: criteria provided, single submitter. Criteria: ACMG Guidelines, 2015. Collection method: clinical testing. Allele origin: germline.

Genome-Nilou Lab
Classification: Uncertain significance for Familial cutaneous telangiectasia and oropharyngeal predisposition cancer syndrome. Last evaluated: 2023-02-08. Review status: criteria provided, single submitter. Criteria: ACMG Guidelines, 2015. Collection method: clinical testing. Allele origin: germline.

Genetic Services Laboratory, University of Chicago
Classification: Uncertain significance. Last evaluated: 2016-03-30. Review status: criteria provided, single submitter. Criteria: ACMG Guidelines, 2015. Collection method: clinical testing. Allele origin: germline. Affected: no.